The following is an entry in ClinVar:

ClinVar aggregate classification (germline): Uncertain significance (1 of 4 stars; one submission).

Conditions:
Epileptic encephalopathy. Identifiers: MedGen C0543888, HP:0200134.

Submission:

Labcorp Genetics (formerly Invitae), Labcorp
Classification: Uncertain significance for Epileptic encephalopathy. Last evaluated: 2022-11-08. Review status: criteria provided, single submitter. Criteria: Invitae Variant Classification Sherloc (09022015). Collection method: clinical testing. Allele origin: germline.
Comment: This sequence change replaces tryptophan, which is neutral and slightly polar, with arginine, which is basic and polar, at codon 656 of the GABBR2 protein (p.Trp656Arg). In summary, the available evidence is currently insufficient to determine the role of this variant in disease. Therefore, it has been classified as a Variant of Uncertain Significance. Advanced modeling of protein sequence and biophysical properties (such as structural, functional, and spatial information, amino acid conservation, physicochemical variation, residue mobility, and thermodynamic stability) performed at Invitae indicates that this missense variant is expected to disrupt GABBR2 protein function. This variant has not been reported in the literature in individuals affected with GABBR2-related conditions. This variant is not present in population databases (gnomAD no frequency).

NM_005458.8(GABBR2):c.1966T>C (p.Trp656Arg)

Gene: GABBR2 (gamma-aminobutyric acid type B receptor subunit 2; minus strand). Cytogenetic location: 9q22.33.
Variant type: single nucleotide variant.
Coding change: c.1966T>C on transcript NM_005458.8 (MANE Select); coding-DNA position 1966, T replaced by C.
Protein change: p.Trp656Arg; replaces tryptophan 656 with arginine.
Molecular consequence: missense variant.
Genome position (GRCh38, 1-based): chr9:98,311,133, A>G on the plus strand (T>C on the coding strand, the complement: GABBR2 is on the minus strand). VCF-style: chr9-98311133-A-G. GRCh37 (hg19) VCF-style: chr9-101073415-A-G.
Other names: short protein forms W656R.
Identifiers: ClinVar variation 2812898 (VCV002812898.3), dbSNP rs2491221338, ClinGen allele CA374203398.